The following is an entry in ClinVar:

NM_032999.4(GTF2I):c.99G>C (p.Met33Ile)

Genes: GTF2I (general transcription factor IIi; plus strand), GTF2I-AS1 (GTF2I antisense RNA 1; minus strand). Cytogenetic location: 7q11.23.
Variant type: single nucleotide variant.
Coding change: c.99G>C on transcript NM_032999.4 (MANE Select); coding-DNA position 99, G replaced by C.
Protein change: p.Met33Ile; replaces methionine 33 with isoleucine.
Molecular consequence: missense variant. On other transcripts: non-coding transcript variant (1).
Genome position (GRCh38, 1-based): chr7:74,689,227, G>C. VCF-style: chr7-74689227-G-C. GRCh37 (hg19) VCF-style: chr7-74103561-G-C.
Other names: c.99G>C, p.Met33Ile (NM_001163636.3, NM_001280800.2, NM_001518.5 and 2 more transcripts); short protein forms M33I.
Identifiers: ClinVar variation 5008982 (VCV005008982.1).

ClinVar aggregate classification (germline): Uncertain significance (1 of 4 stars; one submission).

Submission:

GeneDx
Classification: Uncertain significance. Last evaluated: 2026-03-11. Review status: criteria provided, single submitter. Criteria: GeneDx Variant Classification Process June 2021. Collection method: clinical testing. Allele origin: germline.
Comment: Not observed at significant frequency in large population cohorts (gnomAD); Alters the last nucleotide of the exon and is predicted to damage the splice donor site but the effect on protein function is unclear; In silico analysis supports that this missense variant has a deleterious effect on protein structure/function; Has not been previously published as pathogenic or benign to our knowledge